The following is an entry in ClinVar:

ClinVar aggregate classification (germline): Uncertain significance. Review status: criteria provided, multiple submitters, no conflicts (2 of 4 stars). 3 submissions from 3 submitters: Uncertain significance (3). Last evaluated 2023-10-29.

Conditions:
Hypertrophic cardiomyopathy. Also called: HYPERTROPHIC MYOCARDIOPATHY. Identifiers: Orphanet 217569, MedGen C0007194, MeSH D002312, MONDO:0005045, HP:0001639.
Cardiovascular phenotype. Identifiers: MedGen CN230736.

Submissions (3):

Labcorp Genetics (formerly Invitae), Labcorp
Classification: Uncertain significance for Hypertrophic cardiomyopathy. Last evaluated: 2023-10-29. Review status: criteria provided, single submitter. Criteria: Invitae Variant Classification Sherloc (09022015). Collection method: clinical testing. Allele origin: germline.
Comment: This sequence change replaces threonine, which is neutral and polar, with asparagine, which is neutral and polar, at codon 449 of the MYH7 protein (p.Thr449Asn). This variant is not present in population databases (gnomAD no frequency). This variant has not been reported in the literature in individuals affected with MYH7-related conditions. ClinVar contains an entry for this variant (Variation ID: 1770477). Advanced modeling of protein sequence and biophysical properties (such as structural, functional, and spatial information, amino acid conservation, physicochemical variation, residue mobility, and thermodynamic stability) performed at Invitae indicates that this missense variant is expected to disrupt MYH7 protein function with a positive predictive value of 95%. In summary, the available evidence is currently insufficient to determine the role of this variant in disease. Therefore, it has been classified as a Variant of Uncertain Significance.

Blueprint Genetics
Classification: Uncertain significance. Last evaluated: 2023-10-26. Review status: criteria provided, single submitter. Criteria: ACMG Guidelines, 2015. Collection method: clinical testing. Allele origin: germline.

Ambry Genetics
Classification: Uncertain significance for Cardiovascular phenotype. Last evaluated: 2019-07-12. Review status: criteria provided, single submitter. Criteria: Ambry Variant Classification Scheme 2023. Collection method: clinical testing. Allele origin: germline.
Comment: The p.T449N variant (also known as c.1346C>A), located in coding exon 12 of the MYH7 gene, results from a C to A substitution at nucleotide position 1346. The threonine at codon 449 is replaced by asparagine, an amino acid with similar properties. This alteration has been reported in association with hypertrophic cardiomyopathy (HCM) (Norrish G et al. Circulation, 2019 Apr). Other alterations affecting the same amino acid, p.T449I (c.1346C>T) and p.T449S (c.1345A>T), have been reported in association with HCM (Walsh R et al. Genet. Med., 2017 02;19:192-203). This amino acid position is highly conserved in available vertebrate species. In addition, the in silico prediction for this alteration is inconclusive. Since supporting evidence is limited at this time, the clinical significance of this alteration remains unclear.

Literature cited by the submitters: PubMed 27532257 (cited by Ambry Genetics); PubMed 31006259 (cited by Ambry Genetics).

NM_000257.4(MYH7):c.1346C>A (p.Thr449Asn)

Gene: MYH7 (myosin heavy chain 7; minus strand). Cytogenetic location: 14q11.2.
Variant type: single nucleotide variant.
Coding change: c.1346C>A on transcript NM_000257.4 (MANE Select); coding-DNA position 1346, C replaced by A.
Protein change: p.Thr449Asn; replaces threonine 449 with asparagine.
Molecular consequence: missense variant.
Genome position (GRCh38, 1-based): chr14:23,429,016, G>T on the plus strand (C>A on the coding strand, the complement: MYH7 is on the minus strand). VCF-style: chr14-23429016-G-T. GRCh37 (hg19) VCF-style: chr14-23898225-G-T.
Other names: c.1346C>A, p.Thr449Asn (NM_001407004.1); short protein forms T449N.
Identifiers: ClinVar variation 1770477 (VCV001770477.6), dbSNP rs1892812435, ClinGen allele CA389050817.